The following is an entry in ClinVar:

ClinVar aggregate classification (germline): Uncertain significance (1 of 4 stars; one submission).

Conditions:
Cardiovascular phenotype. Identifiers: MedGen CN230736.

gnomAD v4.1: 7 of 1,614,096 alleles (0.00043%); highest among the groups gnomAD compares: African/African-American, 0.0013%; no homozygotes.

Submission:

Ambry Genetics
Classification: Uncertain significance for Cardiovascular phenotype. Last evaluated: 2025-06-07. Review status: criteria provided, single submitter. Criteria: Ambry Variant Classification Scheme 2023. Collection method: clinical testing. Allele origin: germline.
Comment: The p.I111M variant (also known as c.333C>G), located in coding exon 1 of the KCND3 gene, results from a C to G substitution at nucleotide position 333. The isoleucine at codon 111 is replaced by methionine, an amino acid with highly similar properties. This amino acid position is conserved. In addition, this alteration is predicted to be tolerated by in silico analysis. Based on the available evidence, the clinical significance of this variant remains unclear.

NM_001378969.1(KCND3):c.333C>G (p.Ile111Met)

Gene: KCND3 (potassium voltage-gated channel subfamily D member 3; minus strand). Cytogenetic location: 1p13.2.
Variant type: single nucleotide variant.
Coding change: c.333C>G on transcript NM_001378969.1 (MANE Select); coding-DNA position 333, C replaced by G.
Protein change: p.Ile111Met; replaces isoleucine 111 with methionine.
Molecular consequence: missense variant.
Genome position (GRCh38, 1-based): chr1:111,982,394, G>C on the plus strand (C>G on the coding strand, the complement: KCND3 is on the minus strand). VCF-style: chr1-111982394-G-C. GRCh37 (hg19) VCF-style: chr1-112525016-G-C.
Other names: c.333C>G, p.Ile111Met (NM_001378970.1, NM_004980.5, NM_172198.3); short protein forms I111M.
Identifiers: ClinVar variation 4041479 (VCV004041479.1).
Genomic context (GRCh38, chr1:111,982,394, plus strand): 5'-GCAGTCCCCGATGATCTCCGGGAGGATGCCGTAGAAGGCCAGCTCGTCGTCGTAGGCAGA[G>C]ATGCACTCGTAGCGCGGGTAGTGCAGCTTCCCCGTGCGGTAGAAGTTGAGCACGCAGCGG-3'
Protein context (NP_001365898.1, residues 101-121): GKLHYPRYEC[Ile111Met]SAYDDELAFY